The following is an entry in ClinVar:

ClinVar aggregate classification (germline): Uncertain significance (1 of 4 stars; one submission).

gnomAD v4.1: 1 of 1,614,074 alleles (0.000062%); highest among the groups gnomAD compares: Non-Finnish European, 0.000085%; no homozygotes.

Submission:

Mayo Clinic Laboratories, Mayo Clinic
Classification: Uncertain significance. Last evaluated: 2025-04-21. Review status: criteria provided, single submitter. Criteria: ACMG Guidelines, 2015. Collection method: clinical testing. Allele origin: germline. Observed: 1 variant allele.
Comment: PM2_supporting

NM_001261826.3(AP3D1):c.692C>T (p.Ser231Phe)

Gene: AP3D1 (adaptor related protein complex 3 subunit delta 1; minus strand). Cytogenetic location: 19p13.3.
Variant type: single nucleotide variant.
Coding change: c.692C>T on transcript NM_001261826.3 (MANE Select); coding-DNA position 692, C replaced by T.
Protein change: p.Ser231Phe; replaces serine 231 with phenylalanine.
Molecular consequence: missense variant.
Genome position (GRCh38, 1-based): chr19:2,129,358, G>A on the plus strand (C>T on the coding strand, the complement: AP3D1 is on the minus strand). VCF-style: chr19-2129358-G-A. GRCh37 (hg19) VCF-style: chr19-2129357-G-A.
Other names: p.Ser231Phe; c.692C>T, p.Ser231Phe (NM_001374799.1, NM_003938.8); short protein forms S231F.
Identifiers: ClinVar variation 4542285 (VCV004542285.1).